The following is an entry in ClinVar:

ClinVar aggregate classification (germline): Uncertain significance (1 of 4 stars; one submission).

Allele frequency attached by ClinVar (database versions not stated): ExAC 0.00007.
gnomAD v4.1: 371 of 1,611,784 alleles (0.023%); highest among the groups gnomAD compares: Non-Finnish European, 0.028%; no homozygotes.

Submission:

Labcorp Genetics (formerly Invitae), Labcorp
Classification: Uncertain significance. Last evaluated: 2024-12-15. Review status: criteria provided, single submitter. Criteria: Invitae Variant Classification Sherloc (09022015). Collection method: clinical testing. Allele origin: germline.
Comment: This sequence change replaces glutamine, which is neutral and polar, with glutamic acid, which is acidic and polar, at codon 914 of the SPECC1L protein (p.Gln914Glu). This variant is present in population databases (rs202183866, gnomAD 0.02%), and has an allele count higher than expected for a pathogenic variant. This variant has not been reported in the literature in individuals affected with SPECC1L-related conditions. ClinVar contains an entry for this variant (Variation ID: 1436554). An algorithm developed to predict the effect of missense changes on protein structure and function (PolyPhen-2) suggests that this variant¬†is likely to be tolerated. In summary, the available evidence is currently insufficient to determine the role of this variant in disease. Therefore, it has been classified as a Variant of Uncertain Significance.

NM_015330.6(SPECC1L):c.2740C>G (p.Gln914Glu)

Genes: SPECC1L (sperm antigen with calponin homology and coiled-coil domains 1 like; plus strand), SPECC1L-ADORA2A (SPECC1L-ADORA2A readthrough (NMD candidate); plus strand). Cytogenetic location: 22q11.23.
Variant type: single nucleotide variant.
Coding change: c.2740C>G on transcript NM_015330.6 (MANE Select); coding-DNA position 2740, C replaced by G.
Protein change: p.Gln914Glu; replaces glutamine 914 with glutamic acid.
Molecular consequence: missense variant. On other transcripts: non-coding transcript variant (1), 5 prime UTR variant (1).
Genome position (GRCh38, 1-based): chr22:24,347,173, C>G. VCF-style: chr22-24347173-C-G. GRCh37 (hg19) VCF-style: chr22-24743141-C-G.
Other names: c.2740C>G, p.Gln914Glu (NM_001145468.4, NM_001254732.3); c.-63C>G (NM_001254733.2); short protein forms Q914E.
Identifiers: ClinVar variation 1436554 (VCV001436554.6), dbSNP rs202183866, ClinGen allele CA10152413.